The following is an entry in ClinVar:

ClinVar aggregate classification (germline): Likely pathogenic (1 of 4 stars; one submission).

Conditions:
Autosomal recessive polycystic kidney disease (ARPKD). Also called: AR polycystic kidney disease. Identifiers: Orphanet 731, Orphanet 8378, MedGen C0085548, MeSH D017044, MONDO:0009889.

Submission:

Women's Health and Genetics/Laboratory Corporation of America, LabCorp
Classification: Likely pathogenic for Autosomal recessive polycystic kidney disease. Last evaluated: 2024-09-09. Review status: criteria provided, single submitter. Criteria: LabCorp Variant Classification Summary - May 2015. Collection method: clinical testing. Allele origin: germline.
Comment: Variant summary: PKHD1 c.1836+1G>C is located in a canonical splice-site and is predicted to affect mRNA splicing resulting in a significantly altered protein due to either exon skipping, shortening, or inclusion of intronic material. Variants that disrupt the consensus splice site are a relatively common cause of aberrant splicing and loss of PKHD1 function. Several computational tools predict a significant impact on normal splicing: Four predict the variant abolishes a 5' splicing donor site. However, these predictions have yet to be confirmed by functional studies. The variant was absent in 251076 control chromosomes. To our knowledge, no occurrence of c.1836+1G>C in individuals affected with Polycystic Kidney And Hepatic Disease and no experimental evidence demonstrating its impact on protein function have been reported. No submitters have cited clinical-significance assessments for this variant to ClinVar. Based on the evidence outlined above, the variant was classified as likely pathogenic.

NM_138694.4(PKHD1):c.1836+1G>C

Gene: PKHD1 (PKHD1 ciliary IPT domain containing fibrocystin/polyductin; minus strand). Cytogenetic location: 6p12.2.
Variant type: single nucleotide variant.
Coding change: c.1836+1G>C on transcript NM_138694.4 (MANE Select); the canonical splice donor site of the intron after coding-DNA position 1836, G replaced by C.
Molecular consequence: splice donor variant.
Genome position (GRCh38, 1-based): chr6:52,055,586, C>G on the plus strand (G>C on the coding strand, the complement: PKHD1 is on the minus strand). VCF-style: chr6-52055586-C-G. GRCh37 (hg19) VCF-style: chr6-51920384-C-G.
Other names: c.1836+1G>C (NM_170724.3).
Identifiers: ClinVar variation 3374996 (VCV003374996.1).